The following is an entry in ClinVar:

ClinVar aggregate classification (germline): Uncertain significance (1 of 4 stars; one submission).

Conditions:
Hereditary cancer-predisposing syndrome. Also called: Tumor predisposition; Hereditary Cancer Syndrome; Hereditary neoplastic syndrome; Neoplastic Syndromes, Hereditary. Identifiers: Orphanet 140162, MedGen C0027672, MeSH D009386, MONDO:0015356.

gnomAD v4.1: 1 of 1,614,224 alleles (0.000062%); highest among the groups gnomAD compares: Non-Finnish European, 0.000085%; no homozygotes.

Submission:

Ambry Genetics
Classification: Uncertain significance for Hereditary cancer-predisposing syndrome. Last evaluated: 2019-06-13. Review status: criteria provided, single submitter. Criteria: Ambry Variant Classification Scheme 2023. Collection method: clinical testing. Allele origin: germline.
Comment: The p.V3M variant (also known as c.7G>A), located in coding exon 1 of the SDHAF2 gene, results from a G to A substitution at nucleotide position 7. The valine at codon 3 is replaced by methionine, an amino acid with highly similar properties. This amino acid position is well conserved in available vertebrate species. In addition, this alteration is predicted to be tolerated by BayesDel in silico analysis. Since supporting evidence is limited at this time, the clinical significance of this alteration remains unclear.

NM_017841.4(SDHAF2):c.7G>A (p.Val3Met)

Gene: SDHAF2 (succinate dehydrogenase complex assembly factor 2; plus strand). Cytogenetic location: 11q12.2.
Variant type: single nucleotide variant.
Coding change: c.7G>A on transcript NM_017841.4 (MANE Select); coding-DNA position 7, G replaced by A.
Protein change: p.Val3Met; replaces valine 3 with methionine.
Molecular consequence: missense variant.
Genome position (GRCh38, 1-based): chr11:61,430,153, G>A. VCF-style: chr11-61430153-G-A. GRCh37 (hg19) VCF-style: chr11-61197625-G-A.
Other names: short protein forms V3M.
Identifiers: ClinVar variation 486415 (VCV000486415.5), dbSNP rs149277592, ClinGen allele CA380680112.